The following is an entry in ClinVar:

ClinVar aggregate classification (germline): Likely benign (0 of 4 stars; one submission).

Conditions:
KRT14-related disorder. Also called: KRT14-related condition.

Allele frequency attached by ClinVar (database versions not stated): gnomAD exomes 0.00012; ExAC 0.00037; 1000 Genomes Project 30x 0.00094; 1000 Genomes Project 0.00120; gnomAD 0.00123; TOPMed 0.00147.
gnomAD v4.1: 375 of 1,584,704 alleles (0.024%); highest among the groups gnomAD compares: African/African-American, 0.46%; 2 homozygotes.

Submission:

PreventionGenetics, part of Exact Sciences
Classification: Likely benign for KRT14-related condition. Last evaluated: 2019-10-28. Review status: no assertion criteria provided. Collection method: clinical testing. Allele origin: germline.
Comment: This variant is classified as likely benign based on ACMG/AMP sequence variant interpretation guidelines (Richards et al. 2015 PMID: 25741868, with internal and published modifications).

NM_000526.5(KRT14):c.-1C>T

Gene: KRT14 (keratin 14; minus strand). Cytogenetic location: 17q21.2.
Variant type: single nucleotide variant.
Coding change: c.-1C>T on transcript NM_000526.5 (MANE Select); 1 bases upstream of the start codon, C replaced by T.
Molecular consequence: 5 prime UTR variant.
Genome position (GRCh38, 1-based): chr17:41,586,835, G>A on the plus strand (C>T on the coding strand, the complement: KRT14 is on the minus strand). VCF-style: chr17-41586835-G-A. GRCh37 (hg19) VCF-style: chr17-39743087-G-A.
Identifiers: ClinVar variation 3040338 (VCV003040338.2), dbSNP rs554016001, ClinGen allele CA8562845.
Genomic context (GRCh38, chr17:41,586,835, plus strand): 5'-GATGCCGCAGGAGCCCTTCATGGAGCTGGAGGAGGTGAACTGGCGGCTGCAGGTGGTCAT[G>A]GTGCAGAGGAGGGAGGTGAGCGAGCGAGCAGTTGGCTGAGTGAAGAGAAGGTGCTCGGGT-3'